The following is an entry in ClinVar:

NM_014714.4(IFT140):c.3087G>A (p.Ala1029=)

Genes: IFT140 (intraflagellar transport 140; minus strand), LOC126862260 (CDK7 strongly-dependent group 2 enhancer GRCh37_chr16:1574508-1575707; plus strand). Cytogenetic location: 16p13.3.
Variant type: single nucleotide variant.
Coding change: c.3087G>A on transcript NM_014714.4 (MANE Select); coding-DNA position 3087, G replaced by A.
Protein change: p.Ala1029=; no amino-acid change (alanine 1029 retained).
Molecular consequence: synonymous variant.
Genome position (GRCh38, 1-based): chr16:1,524,606, C>T on the plus strand (G>A on the coding strand, the complement: IFT140 is on the minus strand). VCF-style: chr16-1524606-C-T. GRCh37 (hg19) VCF-style: chr16-1574607-C-T.
Other names: c.3087G>A (NM_014714.3).
Identifiers: ClinVar variation 1650383 (VCV001650383.10), dbSNP rs139078766, ClinGen allele CA7813321.

ClinVar aggregate classification (germline): Likely benign. Review status: criteria provided, multiple submitters, no conflicts (2 of 4 stars). 3 submissions from 3 submitters: Likely benign (3). Last evaluated 2026-03-12.

Conditions:
Saldino-Mainzer syndrome (SRTD9). Also called: Renal dysplasia, retinal pigmentary dystrophy, cerebellar ataxia and skeletal dysplasia; short-rib thoracic dysplasia 9 with or without polydactyly; SHORT-RIB THORACIC DYSPLASIA 9 WITHOUT POLYDACTYLY; CONORENAL SYNDROME. Identifiers: Orphanet 140969, MedGen C1849437, MONDO:0009964, OMIM 266920.
IFT140-related disorder. Also called: IFT140-related condition.

Allele frequency attached by ClinVar (database versions not stated): gnomAD 0.00004 and 0.00005; gnomAD exomes 0.00004; TOPMed 0.00006; ExAC 0.00007; ESP Exome Variant Server 0.00008.
gnomAD v4.1: 70 of 1,605,706 alleles (0.0044%); highest among the groups gnomAD compares: South Asian, 0.021%; 1 homozygote.

Submissions (3):

PreventionGenetics, part of Exact Sciences
Classification: Likely benign for IFT140-related condition. Last evaluated: 2026-03-12. Review status: criteria provided, single submitter. Criteria: ACMG Guidelines, 2015. Collection method: clinical testing. Allele origin: germline.
Comment: This variant is classified as likely benign based on ACMG/AMP sequence variant interpretation guidelines (Richards et al. 2015 PMID: 25741868, with internal and published modifications).

Labcorp Genetics (formerly Invitae), Labcorp
Classification: Likely benign for Saldino-Mainzer syndrome. Last evaluated: 2026-01-24. Review status: criteria provided, single submitter. Criteria: Invitae Variant Classification Sherloc (09022015). Collection method: clinical testing. Allele origin: germline.

Blueprint Genetics
Classification: Likely benign. Last evaluated: 2023-12-06. Review status: criteria provided, single submitter. Criteria: ACMG Guidelines, 2015. Collection method: clinical testing. Allele origin: germline.